The following is an entry in ClinVar:

NM_002769.5(PRSS1):c.41-45del

Genes: PRSS1 (serine protease 1; plus strand), TRB (T cell receptor beta locus; plus strand). Cytogenetic location: 7q34.
Variant type: Deletion.
Coding change: c.41-45del on transcript NM_002769.5 (MANE Select); 45 bases into the intron before coding-DNA position 41, one base deleted (T; older notation c.41-45delT).
Molecular consequence: intron variant.
Genome position (GRCh38, 1-based): chr7:142,750,510, T deleted. VCF-style (leftmost placement, unchanged base first): chr7-142750509-CT-C. GRCh37 (hg19) VCF-style: chr7-142458360-CT-C.
Identifiers: ClinVar variation 1804742 (VCV001804742.1), dbSNP rs755493213, ClinGen allele CA4529636.
Genomic context (GRCh38, chr7:142,750,509, plus strand): 5'-ACTGTGCTTGTTAAGGATTTCTAATTAGCAGAAAGCAATCACAGGCTGGGAGCGCCACCC[CT>C]AACATGCTATTGACTTGCCTTCTCCCTTCCCATCTCCACTCCAGTTGCTGCCCCCTTTGA-3'

ClinVar aggregate classification (germline): Benign (1 of 4 stars; one submission).

Allele frequency attached by ClinVar (database versions not stated): gnomAD exomes 0.00003; ExAC 0.00016; gnomAD 0.00036.

Submission:

Women's Health and Genetics/Laboratory Corporation of America, LabCorp
Classification: Benign. Last evaluated: 2022-11-15. Review status: criteria provided, single submitter. Criteria: LabCorp Variant Classification Summary - May 2015. Collection method: clinical testing. Allele origin: germline.
Comment: Variant summary: PRSS1 c.41-45delT is located at a position not widely known to affect splicing. 4/4 computational tools predict no significant impact on normal splicing. However, these predictions have yet to be confirmed by functional studies. The variant allele was found at a frequency of 0.00011 in 251138 control chromosomes, predominantly at a frequency of 0.0017 within the African or African-American subpopulation in the gnomAD database. The observed variant frequency within African or African-American control individuals in the gnomAD database is approximately 7 fold of the estimated maximal expected allele frequency for a pathogenic variant in PRSS1 causing Chronic Pancreatitis Risk phenotype (0.00025), strongly suggesting that the variant is a benign polymorphism found primarily in populations of African or African-American origin. To our knowledge, no occurrence of c.41-45delT in individuals affected with Chronic Pancreatitis Risk and no experimental evidence demonstrating its impact on protein function have been reported. No clinical diagnostic laboratories have submitted clinical-significance assessments for this variant to ClinVar after 2014. Based on the evidence outlined above, the variant was classified as benign.